The following is an entry in ClinVar:

ClinVar aggregate classification (germline): Uncertain significance (1 of 4 stars; one submission).

Conditions:
Imerslund-Grasbeck syndrome. Also called: ENTEROCYTE COBALAMIN MALABSORPTION; ENTEROCYTE INTRINSIC FACTOR RECEPTOR, DEFECT OF; PERNICIOUS ANEMIA, JUVENILE, DUE TO SELECTIVE INTESTINAL MALABSORPTION OF VITAMIN B12, WITH PROTEINURIA; Megaloblastic anemia due to inborn errors of metabolism; Imerslund-Gräsbeck syndrome. Identifiers: Orphanet 35858, MedGen C4551825, MONDO:0009853.

Submission:

Labcorp Genetics (formerly Invitae), Labcorp
Classification: Uncertain significance for Imerslund-Grasbeck syndrome. Last evaluated: 2024-12-21. Review status: criteria provided, single submitter. Criteria: Invitae Variant Classification Sherloc (09022015). Collection method: clinical testing. Allele origin: germline.
Comment: This sequence change replaces methionine, which is neutral and non-polar, with valine, which is neutral and non-polar, at codon 508 of the CUBN protein (p.Met508Val). This variant is not present in population databases (gnomAD no frequency). This variant has not been reported in the literature in individuals affected with CUBN-related conditions. Invitae Evidence Modeling of protein sequence and biophysical properties (such as structural, functional, and spatial information, amino acid conservation, physicochemical variation, residue mobility, and thermodynamic stability) indicates that this missense variant is not expected to disrupt CUBN protein function with a negative predictive value of 80%. In summary, the available evidence is currently insufficient to determine the role of this variant in disease. Therefore, it has been classified as a Variant of Uncertain Significance.

NM_001081.4(CUBN):c.1522A>G (p.Met508Val)

Gene: CUBN (cubilin; minus strand). Cytogenetic location: 10p13.
Variant type: single nucleotide variant.
Coding change: c.1522A>G on transcript NM_001081.4 (MANE Select); coding-DNA position 1522, A replaced by G.
Protein change: p.Met508Val; replaces methionine 508 with valine.
Molecular consequence: missense variant.
Genome position (GRCh38, 1-based): chr10:17,103,133, T>C on the plus strand (A>G on the coding strand, the complement: CUBN is on the minus strand). VCF-style: chr10-17103133-T-C. GRCh37 (hg19) VCF-style: chr10-17145132-T-C.
Other names: short protein forms M508V.
Identifiers: ClinVar variation 3687599 (VCV003687599.2).